The following is an entry in ClinVar:

NM_003289.3(TPM2):c.-496G>A

Gene: TPM2 (tropomyosin 2; minus strand). Cytogenetic location: 9p13.3.
Variant type: single nucleotide variant.
Coding change: c.-496G>A on transcript NM_003289.3; 496 bases upstream of the start codon, G replaced by A.
Genome position (GRCh38, 1-based): chr9:35,690,313, C>T on the plus strand (G>A on the coding strand, the complement: TPM2 is on the minus strand). VCF-style: chr9-35690313-C-T. GRCh37 (hg19) VCF-style: chr9-35690310-C-T.
Identifiers: ClinVar variation 667555 (VCV000667555.4), dbSNP rs2756892, ClinGen allele CA13029114.

ClinVar aggregate classification (germline): Benign. Review status: criteria provided, multiple submitters, no conflicts (2 of 4 stars). 2 submissions from 2 submitters: Benign (2). Last evaluated 2018-06-19.

Allele frequency attached by ClinVar (database versions not stated): gnomAD 0.25295 and 0.25274; gnomAD exomes 0.26949; 1000 Genomes Project 0.22704; 1000 Genomes Project 30x 0.23204; TOPMed 0.24930.

Submissions (2):

GeneDx
Classification: Benign. Last evaluated: 2018-06-19. Review status: criteria provided, single submitter. Criteria: GeneDx Variant Classification (06012015). Collection method: clinical testing. Allele origin: germline. Affected: yes.
Comment: This variant is considered likely benign or benign based on one or more of the following criteria: it is a conservative change, it occurs at a poorly conserved position in the protein, it is predicted to be benign by multiple in silico algorithms, and/or has population frequency not consistent with disease.

Breakthrough Genomics
Classification: Benign. Review status: criteria provided, single submitter. Criteria: ACMG Guidelines, 2015. Collection method: not provided. Allele origin: germline. Inheritance: Autosomal dominant inheritance. Affected: yes.